The following is an entry in ClinVar:

NM_015354.3(NUP188):c.4560G>A (p.Arg1520=)

Gene: NUP188 (nucleoporin 188; plus strand). Cytogenetic location: 9q34.11.
Variant type: single nucleotide variant.
Coding change: c.4560G>A on transcript NM_015354.3 (MANE Select); coding-DNA position 4560, G replaced by A.
Protein change: p.Arg1520=; no amino-acid change (arginine 1520 retained).
Molecular consequence: synonymous variant.
Genome position (GRCh38, 1-based): chr9:129,005,353, G>A. VCF-style: chr9-129005353-G-A. GRCh37 (hg19) VCF-style: chr9-131767632-G-A.
Identifiers: ClinVar variation 3778462 (VCV003778462.7).

ClinVar aggregate classification (germline): Likely benign (1 of 4 stars; one submission).

gnomAD v4.1: 2 of 1,613,794 alleles (0.00012%); highest among the groups gnomAD compares: Admixed American, 0.0017%; no homozygotes.

Submission:

CeGaT Center for Human Genetics Tuebingen
Classification: Likely benign. Last evaluated: 2025-03-01. Review status: criteria provided, single submitter. Criteria: CeGaT Center For Human Genetics Tuebingen Variant Classification Criteria Version 2. Collection method: clinical testing. Allele origin: germline. Affected: yes. Observed: 1 variant allele.
Comment: NUP188: BP4, BP7